The following is an entry in ClinVar:

ClinVar aggregate classification (germline): Uncertain significance. Review status: criteria provided, multiple submitters, no conflicts (2 of 4 stars). 2 submissions from 2 submitters: Uncertain significance (2). Last evaluated 2026-08-10.

Conditions:
RAB23-related disorder. Also called: RAB23-related condition.
RAB23-related Carpenter syndrome. Also called: ACPS II; Carpenter syndrome 1. Identifiers: Orphanet 65759, MedGen C4551510, MONDO:0008710, OMIM 201000.

Allele frequency attached by ClinVar (database versions not stated): ExAC 0.00008; gnomAD 0.00008; gnomAD exomes 0.00007; ESP Exome Variant Server 0.00008; TOPMed 0.00009.
gnomAD v4.1: 117 of 1,612,912 alleles (0.0073%); highest among the groups gnomAD compares: Admixed American, 0.012%; no homozygotes.

Submissions (2):

PreventionGenetics, part of Exact Sciences
Classification: Uncertain significance for RAB23-related condition. Last evaluated: 2026-08-10. Review status: criteria provided, single submitter. Criteria: ACMG Guidelines, 2015. Collection method: clinical testing. Allele origin: germline.
Comment: The RAB23 c.546A>C variant is predicted to result in the amino acid substitution p.Glu182Asp. This variant has been reported in the heterozygous state in the literature; however, no second variant was detected, and minimal evidence supported its pathogenicity (Ye et al. 2016. PubMed ID: 26910679; Topa et al. 2023. PubMed ID: 38318288). This variant is reported in 0.012% of alleles in individuals of European (non-Finnish) descent in gnomAD. At this time, the clinical significance of this variant is uncertain due to the absence of conclusive functional and genetic evidence.

Department of Pathology and Laboratory Medicine, Sinai Health System
Classification: Uncertain significance for RAB23-related Carpenter syndrome. Last evaluated: 2020-08-24. Review status: criteria provided, single submitter. Criteria: ACMG Guidelines, 2015. Collection method: research. Allele origin: germline.

NM_016277.5(RAB23):c.546A>C (p.Glu182Asp)

Gene: RAB23 (RAB23, member RAS oncogene family; minus strand). Cytogenetic location: 6p12.1.
Variant type: single nucleotide variant.
Coding change: c.546A>C on transcript NM_016277.5 (MANE Select); coding-DNA position 546, A replaced by C.
Protein change: p.Glu182Asp; replaces glutamic acid 182 with aspartic acid.
Molecular consequence: missense variant. On other transcripts: non-coding transcript variant (1).
Genome position (GRCh38, 1-based): chr6:57,193,870, T>G on the plus strand (A>C on the coding strand, the complement: RAB23 is on the minus strand). VCF-style: chr6-57193870-T-G. GRCh37 (hg19) VCF-style: chr6-57058668-T-G.
Other names: c.546A>C, p.Glu182Asp (NM_001278666.2, NM_001278667.2, NM_001278668.2 and 1 more transcripts); short protein forms E182D.
Identifiers: ClinVar variation 2634036 (VCV002634036.4), dbSNP rs377375386, ClinGen allele CA3873781.
Genomic context (GRCh38, chr6:57,193,870, plus strand): 5'-TAAACATGGGCTAAAATTTCCTATGTACTTACCAATCTTGTTACTACTTGAATGCGTTAG[T>G]TCTGGATCCTCAGCTATTTGTTGTTTGAGTTTCTGAAGGTATTTTTCAGCCAAATACTTA-3'
Protein context (NP_057361.3, residues 172-192): KLKQQIAEDP[Glu182Asp]LTHSSSNKIG